The following is an entry in ClinVar:

NM_003322.6(TULP1):c.1523G>A (p.Arg508His)

Gene: TULP1 (TUB like protein 1; minus strand). Cytogenetic location: 6p21.31.
Variant type: single nucleotide variant.
Coding change: c.1523G>A on transcript NM_003322.6 (MANE Select); coding-DNA position 1523, G replaced by A.
Protein change: p.Arg508His; replaces arginine 508 with histidine.
Molecular consequence: missense variant.
Genome position (GRCh38, 1-based): chr6:35,498,433, C>T on the plus strand (G>A on the coding strand, the complement: TULP1 is on the minus strand). VCF-style: chr6-35498433-C-T. GRCh37 (hg19) VCF-style: chr6-35466210-C-T.
Other names: c.1364G>A, p.Arg455His (NM_001289395.2); short protein forms R508H, R455H.
Identifiers: ClinVar variation 813101 (VCV000813101.6), dbSNP rs1768754157, ClinGen allele CA363778343.

ClinVar aggregate classification (germline): Conflicting classifications of pathogenicity. Review status: criteria provided, conflicting classifications (1 of 4 stars). 2 submissions from 2 submitters: Pathogenic (1); Uncertain significance (1). Last evaluated 2022-03-09.

Conditions:
Retinitis pigmentosa (RP). Identifiers: Orphanet 791, MedGen C0035334, MeSH D012174, MONDO:0019200, OMIM 268000. Inheritance: Autosomal dominant, autosomal recessive and X linked inheritance.

Allele frequency attached by ClinVar (database versions not stated): gnomAD exomes below 0.00001.
gnomAD v4.1: 1 of 1,613,954 alleles (0.000062%); highest among the groups gnomAD compares: Non-Finnish European, 0.000085%; no homozygotes.

Submissions (2):

Labcorp Genetics (formerly Invitae), Labcorp
Classification: Uncertain significance. Last evaluated: 2022-03-09. Review status: criteria provided, single submitter. Criteria: Invitae Variant Classification Sherloc (09022015). Collection method: clinical testing. Allele origin: germline.
Comment: This variant has not been reported in the literature in individuals affected with TULP1-related conditions. In summary, the available evidence is currently insufficient to determine the role of this variant in disease. Therefore, it has been classified as a Variant of Uncertain Significance. Algorithms developed to predict the effect of missense changes on protein structure and function are either unavailable or do not agree on the potential impact of this missense change (SIFT: "Not Available"; PolyPhen-2: "Probably Damaging"; Align-GVGD: "Not Available"). ClinVar contains an entry for this variant (Variation ID: 813101). This variant is not present in population databases (gnomAD no frequency). This sequence change replaces arginine, which is basic and polar, with histidine, which is basic and polar, at codon 508 of the TULP1 protein (p.Arg508His).

Molecular Genetics Laboratory, Institute for Ophthalmic Research
Classification: Pathogenic for Retinitis pigmentosa. Last evaluated: 2020-01-09. Review status: criteria provided, single submitter. Criteria: ACMG Guidelines, 2015. Collection method: research. Allele origin: germline. Affected: yes.